The following is an entry in ClinVar:

ClinVar aggregate classification (germline): Uncertain significance (1 of 4 stars; one submission).

Conditions:
RASopathy. Also called: Noonan spectrum disorder; rasopathies. Identifiers: Orphanet 536391, MedGen C5555857, MONDO:0021060.

Submission:

Labcorp Genetics (formerly Invitae), Labcorp
Classification: Uncertain significance for RASopathy. Last evaluated: 2023-12-21. Review status: criteria provided, single submitter. Criteria: Invitae Variant Classification Sherloc (09022015). Collection method: clinical testing. Allele origin: germline.
Comment: This sequence change replaces isoleucine, which is neutral and non-polar, with threonine, which is neutral and polar, at codon 216 of the SOS1 protein (p.Ile216Thr). This variant is not present in population databases (gnomAD no frequency). This variant has not been reported in the literature in individuals affected with SOS1-related conditions. Advanced modeling of protein sequence and biophysical properties (such as structural, functional, and spatial information, amino acid conservation, physicochemical variation, residue mobility, and thermodynamic stability) has been performed at Invitae for this missense variant, however the output from this modeling did not meet the statistical confidence thresholds required to predict the impact of this variant on SOS1 protein function. In summary, the available evidence is currently insufficient to determine the role of this variant in disease. Therefore, it has been classified as a Variant of Uncertain Significance.

NM_005633.4(SOS1):c.647T>C (p.Ile216Thr)

Gene: SOS1 (SOS Ras/Rac guanine nucleotide exchange factor 1; minus strand). Cytogenetic location: 2p22.1.
Variant type: single nucleotide variant.
Coding change: c.647T>C on transcript NM_005633.4 (MANE Select); coding-DNA position 647, T replaced by C.
Protein change: p.Ile216Thr; replaces isoleucine 216 with threonine.
Molecular consequence: missense variant.
Genome position (GRCh38, 1-based): chr2:39,054,687, A>G on the plus strand (T>C on the coding strand, the complement: SOS1 is on the minus strand). VCF-style: chr2-39054687-A-G. GRCh37 (hg19) VCF-style: chr2-39281828-A-G.
Other names: c.626T>C, p.Ile209Thr (NM_001382394.1); c.647T>C, p.Ile216Thr (NM_001382395.1); short protein forms I209T, I216T.
Identifiers: ClinVar variation 2704751 (VCV002704751.3), dbSNP rs2465346995, ClinGen allele CA346373061.
Genomic context (GRCh38, chr2:39,054,687, plus strand): 5'-AATTTTGAATTGGAGACAAAGGGCTCTCTAAAAACTTTTATAATTAGATTTAGTTCCCTT[A>G]TATATTGTCGAATTTCTGCCATAAATGCTTTTACCAAATCATAGTAAGTTTGTTCTCCTG-3'
Protein context (NP_005624.2, residues 206-226): KAFMAEIRQY[Ile216Thr]RELNLIIKVF